The following is an entry in ClinVar:

NM_000138.5(FBN1):c.1158C>T (p.Asn386=)

Gene: FBN1 (fibrillin 1; minus strand). Cytogenetic location: 15q21.1.
Variant type: single nucleotide variant.
Coding change: c.1158C>T on transcript NM_000138.5 (MANE Select); coding-DNA position 1158, C replaced by T.
Protein change: p.Asn386=; no amino-acid change (asparagine 386 retained).
Molecular consequence: synonymous variant.
Genome position (GRCh38, 1-based): chr15:48,516,352, G>A on the plus strand (C>T on the coding strand, the complement: FBN1 is on the minus strand). VCF-style: chr15-48516352-G-A. GRCh37 (hg19) VCF-style: chr15-48808549-G-A.
Identifiers: ClinVar variation 633217 (VCV000633217.17), dbSNP rs368737502, ClinGen allele CA043879.

ClinVar aggregate classification (germline): Likely benign. Review status: criteria provided, multiple submitters, no conflicts (2 of 4 stars). 7 submissions from 7 submitters: Likely benign (7). Last evaluated 2025-10-22.

Conditions:
Familial thoracic aortic aneurysm and aortic dissection (TAAD). Also called: Thoracic aortic aneurysms and dissections. Identifiers: Orphanet 91387, MedGen C4707243, MONDO:0019625.
Marfan syndrome (MFS). Also called: FBN1-Related Marfan Syndrome; Marfan syndrome type 1; Marfan's syndrome; Marfan syndrome, classic; MARFAN SYNDROME, TYPE I. Identifiers: Orphanet 284963, Orphanet 558, MedGen C0024796, MONDO:0007947, OMIM 154700.

Allele frequency attached by ClinVar (database versions not stated): TOPMed 0.00001; ESP Exome Variant Server 0.00008; gnomAD 0.00003.
gnomAD v4.1: 92 of 1,613,560 alleles (0.0057%); highest among the groups gnomAD compares: Non-Finnish European, 0.0076%; no homozygotes.

Submissions (7):

Labcorp Genetics (formerly Invitae), Labcorp
Classification: Likely benign for Marfan syndrome; Familial thoracic aortic aneurysm and aortic dissection. Last evaluated: 2025-10-22. Review status: criteria provided, single submitter. Criteria: Invitae Variant Classification Sherloc (09022015). Collection method: clinical testing. Allele origin: germline.

All of Us Research Program, National Institutes of Health
Classification: Likely benign for Marfan syndrome. Last evaluated: 2023-09-17. Review status: criteria provided, single submitter. Criteria: ACMG Guidelines, 2015. Collection method: clinical testing. Allele origin: germline. Inheritance: Autosomal dominant inheritance. Observed: 4 variant alleles, 4 heterozygotes.
Comment: This study involves interpretation of variants in research participants for the purpose of population health screening. Participant phenotype was not available at the time of variant classification. Additional details can be found in publication PMID: 35346344, PMCID: PMC8962531

Blueprint Genetics
Classification: Likely benign. Last evaluated: 2023-04-13. Review status: criteria provided, single submitter. Criteria: ACMG Guidelines, 2015. Collection method: clinical testing. Allele origin: germline.

Ambry Genetics
Classification: Likely benign for Familial thoracic aortic aneurysm and aortic dissection. Last evaluated: 2020-11-25. Review status: criteria provided, single submitter. Criteria: Ambry Variant Classification Scheme 2023. Collection method: clinical testing. Allele origin: germline.

Women's Health and Genetics/Laboratory Corporation of America, LabCorp
Classification: Likely benign. Last evaluated: 2019-08-28. Review status: criteria provided, single submitter. Criteria: LabCorp Variant Classification Summary - May 2015. Collection method: clinical testing. Allele origin: germline.

Color Diagnostics, LLC DBA Color Health
Classification: Likely benign for Familial thoracic aortic aneurysm and aortic dissection. Last evaluated: 2018-11-14. Review status: criteria provided, single submitter. Criteria: ACMG Guidelines, 2015. Collection method: clinical testing. Allele origin: germline.

CHEO Genetics Diagnostic Laboratory, Children's Hospital of Eastern Ontario
Classification: Likely benign for Familial thoracic aortic aneurysm and aortic dissection. Last evaluated: 2017-11-30. Review status: criteria provided, single submitter. Criteria: ACMG Guidelines, 2015. Collection method: clinical testing. Allele origin: germline.